The following is an entry in ClinVar:

NM_031924.8(RSPH3):c.653T>C (p.Val218Ala)

Gene: RSPH3 (radial spoke head 3; minus strand). Cytogenetic location: 6q25.3.
Variant type: single nucleotide variant.
Coding change: c.653T>C on transcript NM_031924.8 (MANE Select); coding-DNA position 653, T replaced by C.
Protein change: p.Val218Ala; replaces valine 218 with alanine.
Molecular consequence: missense variant. On other transcripts: non-coding transcript variant (1).
Genome position (GRCh38, 1-based): chr6:158,982,528, A>G on the plus strand (T>C on the coding strand, the complement: RSPH3 is on the minus strand). VCF-style: chr6-158982528-A-G. GRCh37 (hg19) VCF-style: chr6-159403560-A-G.
Other names: c.791T>C, p.Val264Ala (NM_001346418.1); short protein forms V218A, V264A.
Identifiers: ClinVar variation 954713 (VCV000954713.3), dbSNP rs765288961, ClinGen allele CA4075853.

ClinVar aggregate classification (germline): Uncertain significance. Review status: criteria provided, multiple submitters, no conflicts (2 of 4 stars). 2 submissions from 2 submitters: Uncertain significance (2). Last evaluated 2025-09-11.

Conditions:
Inborn genetic diseases. Identifiers: MedGen C0950123, MeSH D030342.
Primary ciliary dyskinesia 32. Also called: CILIARY DYSKINESIA, PRIMARY, 32, WITHOUT SITUS INVERSUS. Identifiers: Orphanet 244, MedGen C4225311, MONDO:0014657, OMIM 616481.

Allele frequency attached by ClinVar (database versions not stated): gnomAD 0.00001 and 0.00002; gnomAD exomes 0.00002 and 0.00004; TOPMed 0.00002; ExAC 0.00005.
gnomAD v4.1: 32 of 1,612,578 alleles (0.002%); highest among the groups gnomAD compares: South Asian, 0.015%; no homozygotes.

Submissions (2):

Ambry Genetics
Classification: Uncertain significance for Inborn genetic diseases. Last evaluated: 2025-09-11. Review status: criteria provided, single submitter. Criteria: Ambry Variant Classification Scheme 2023. Collection method: clinical testing. Allele origin: germline.

Labcorp Genetics (formerly Invitae), Labcorp
Classification: Uncertain significance for Primary ciliary dyskinesia 32. Last evaluated: 2024-10-30. Review status: criteria provided, single submitter. Criteria: Invitae Variant Classification Sherloc (09022015). Collection method: clinical testing. Allele origin: germline.
Comment: This sequence change replaces valine, which is neutral and non-polar, with alanine, which is neutral and non-polar, at codon 360 of the RSPH3 protein (p.Val360Ala). This variant is present in population databases (rs765288961, gnomAD 0.01%). This variant has not been reported in the literature in individuals affected with RSPH3-related conditions. ClinVar contains an entry for this variant (Variation ID: 954713). An algorithm developed to predict the effect of missense changes on protein structure and function (PolyPhen-2) suggests that this variant¬†is likely to be tolerated. In summary, the available evidence is currently insufficient to determine the role of this variant in disease. Therefore, it has been classified as a Variant of Uncertain Significance.